The following is an entry in ClinVar:

ClinVar aggregate classification (germline): Uncertain significance. Review status: criteria provided, multiple submitters, no conflicts (2 of 4 stars). 2 submissions from 2 submitters: Uncertain significance (2). Last evaluated 2024-01-19.

Conditions:
Inborn genetic diseases. Identifiers: MedGen C0950123, MeSH D030342.

Allele frequency attached by ClinVar (database versions not stated): ExAC 0.00003; gnomAD exomes 0.00004; gnomAD 0.00011 and 0.00014; ESP Exome Variant Server 0.00017; TOPMed 0.00025.
gnomAD v4.1: 37 of 1,613,458 alleles (0.0023%); highest among the groups gnomAD compares: African/African-American, 0.043%; no homozygotes.

Submissions (2):

Ambry Genetics
Classification: Uncertain significance for Inborn genetic diseases. Last evaluated: 2024-01-19. Review status: criteria provided, single submitter. Criteria: Ambry Variant Classification Scheme 2023. Collection method: clinical testing. Allele origin: germline.

Labcorp Genetics (formerly Invitae), Labcorp
Classification: Uncertain significance. Last evaluated: 2022-08-20. Review status: criteria provided, single submitter. Criteria: Invitae Variant Classification Sherloc (09022015). Collection method: clinical testing. Allele origin: germline.
Comment: This sequence change replaces threonine, which is neutral and polar, with arginine, which is basic and polar, at codon 19 of the MOCS2A protein (p.Thr19Arg). This variant is present in population databases (rs372782831, gnomAD 0.05%). This variant has not been reported in the literature in individuals affected with MOCS2A-related conditions. ClinVar contains an entry for this variant (Variation ID: 1059263). Algorithms developed to predict the effect of missense changes on protein structure and function are either unavailable or do not agree on the potential impact of this missense change (SIFT: "Deleterious"; PolyPhen-2: "Benign"; Align-GVGD: "Class C0"). In summary, the available evidence is currently insufficient to determine the role of this variant in disease. Therefore, it has been classified as a Variant of Uncertain Significance.

NM_176806.4(MOCS2):c.56C>G (p.Thr19Arg)

Gene: MOCS2 (molybdenum cofactor synthesis 2; minus strand). Cytogenetic location: 5q11.2.
Variant type: single nucleotide variant.
Coding change: c.56C>G on transcript NM_176806.4 (MANE Plus Clinical); coding-DNA position 56, C replaced by G.
Protein change: p.Thr19Arg; replaces threonine 19 with arginine.
Molecular consequence: missense variant. On other transcripts: 5 prime UTR variant (1).
Genome position (GRCh38, 1-based): chr5:53,108,606, G>C on the plus strand (C>G on the coding strand, the complement: MOCS2 is on the minus strand). VCF-style: chr5-53108606-G-C. GRCh37 (hg19) VCF-style: chr5-52404436-G-C.
Other names: c.-132C>G (NM_004531.5); c.56C>G (NM_176806.2); short protein forms T19R.
Identifiers: ClinVar variation 1059263 (VCV001059263.5), dbSNP rs372782831, ClinGen allele CA3263812.